The following is an entry in ClinVar:

ClinVar aggregate classification (germline): Uncertain significance. Review status: criteria provided, multiple submitters, no conflicts (2 of 4 stars). 2 submissions from 2 submitters: Uncertain significance (2). Last evaluated 2026-04-10.

Conditions:
Cardiovascular phenotype. Identifiers: MedGen CN230736.

Submissions (2):

Ambry Genetics
Classification: Uncertain significance for Cardiovascular phenotype. Last evaluated: 2026-04-10. Review status: criteria provided, single submitter. Criteria: Ambry Variant Classification Scheme 2023. Collection method: clinical testing. Allele origin: germline.
Comment: The c.2717_2734dup18 variant (also known as p.M906_G911dup), located in coding exon 6 of the ALPK3 gene, results from an in-frame duplication of 18 nucleotides at nucleotide positions 2717 to 2734. This results in the duplication of 6 extra residues (MQGEKG) between codons 906 and 911. This amino acid position is conserved in available vertebrate species. In addition, this variant is predicted to be neutral by in silico analysis (Choi Y et al. PLoS ONE. 2012; 7(10):e46688). Based on the available evidence, the clinical significance of this variant remains unclear.

Labcorp Genetics (formerly Invitae), Labcorp
Classification: Uncertain significance. Last evaluated: 2025-11-03. Review status: criteria provided, single submitter. Criteria: Invitae Variant Classification Sherloc (09022015). Collection method: clinical testing. Allele origin: germline.
Comment: This variant, c.2717_2734dup, results in the insertion of 6 amino acid(s) of the ALPK3 protein (p.Met906_Gly911dup), but otherwise preserves the integrity of the reading frame. This variant is present in population databases (rs772050981, gnomAD 0.007%). This variant has not been reported in the literature in individuals affected with ALPK3-related conditions. Experimental studies and prediction algorithms are not available or were not evaluated, and the functional significance of this variant is currently unknown. In summary, the available evidence is currently insufficient to determine the role of this variant in disease. Therefore, it has been classified as a Variant of Uncertain Significance.

NM_020778.5(ALPK3):c.2093TGCAGGGAGAGAAGGGGA[3] (p.Gly709_Thr710insMetGlnGlyGluLysGly)

Gene: ALPK3 (alpha kinase 3; plus strand). Cytogenetic location: 15q25.3.
Variant type: Microsatellite.
Coding change: c.2093TGCAGGGAGAGAAGGGGA[3] on transcript NM_020778.5 (MANE Select); three copies in a row of the 18-base unit TGCAGGGAGAGAAGGGGA starting at c.2093; the reference has two copies in a row; one copy, 18 bases duplicated.
Protein change: p.Gly709_Thr710insMetGlnGlyGluLysGly.
Molecular consequence: inframe insertion.
Genome position (GRCh38, 1-based): chr15:84,856,849-84,856,866, TGCAGGGAGAGAAGGGGA duplicated; duplicating any 18 consecutive bases within chr15:84,856,828-84,856,866 gives the same sequence; the position shown is the placement nearest the transcript's 3' end. VCF-style (leftmost placement, unchanged base first): chr15-84856827-A-AGGATGCAGGGAGAGAAGG. GRCh37 (hg19) VCF-style: chr15-85400058-A-AGGATGCAGGGAGAGAAGG.
Other names: c.2717_2734dupTGCAGGGAGAGAAGGGGA (NM_020778.4).
Identifiers: ClinVar variation 1905428 (VCV001905428.6), dbSNP rs759322802, ClinGen allele CA7709337.
Genomic context (GRCh38, chr15:84,856,827, plus strand): 5'-GGTGAGAAGATACAGGAAGACAGGAAGGCCCAGGCAGATAAGGGCACACAGGAAGACAGA[A>AGGATGCAGGGAGAGAAGG]GGATGCAGGGAGAGAAGGGGATGCAGGGAGAGAAGGGGACGCAGTCAGAGGGGAGCGCGC-3'